The following is an entry in ClinVar:

ClinVar aggregate classification (germline): Likely benign. Review status: criteria provided, multiple submitters, no conflicts (2 of 4 stars). 7 submissions from 7 submitters: Likely benign (7). Last evaluated 2026-03-26.

Conditions:
TTN-related disorder. Also called: TTN-related condition; TTN-related disease; TTN-related disorders.
Dilated cardiomyopathy 1G (CMD1G). Identifiers: Orphanet 154, MedGen C1858763, MONDO:0011400, OMIM 604145.
Autosomal recessive limb-girdle muscular dystrophy type 2J (LGMDR10). Also called: MUSCULAR DYSTROPHY, LIMB-GIRDLE, AUTOSOMAL RECESSIVE 10; Limb-girdle muscular dystrophy, type 2J. Identifiers: Orphanet 140922, MedGen C1837342, MONDO:0012127, OMIM 608807.
Cardiovascular phenotype. Identifiers: MedGen CN230736.

Allele frequency attached by ClinVar (database versions not stated): ESP Exome Variant Server 0.00008; TOPMed 0.00009; gnomAD 0.00011 and 0.00013; 1000 Genomes Project 30x 0.00047; 1000 Genomes Project 0.00060.
gnomAD v4.1: 78 of 1,608,302 alleles (0.0048%); highest among the groups gnomAD compares: East Asian, 0.043%; no homozygotes.

Submissions (7):

PreventionGenetics, part of Exact Sciences
Classification: Likely benign for TTN-related condition. Last evaluated: 2026-03-26. Review status: criteria provided, single submitter. Criteria: ACMG Guidelines, 2015. Collection method: clinical testing. Allele origin: germline.
Comment: This variant is classified as likely benign based on ACMG/AMP sequence variant interpretation guidelines (Richards et al. 2015 PMID: 25741868, with internal and published modifications).

Labcorp Genetics (formerly Invitae), Labcorp
Classification: Likely benign for Dilated cardiomyopathy 1G; Autosomal recessive limb-girdle muscular dystrophy type 2J. Last evaluated: 2026-01-26. Review status: criteria provided, single submitter. Criteria: Invitae Variant Classification Sherloc (09022015). Collection method: clinical testing. Allele origin: germline.

Blueprint Genetics
Classification: Likely benign. Last evaluated: 2024-10-14. Review status: criteria provided, single submitter. Criteria: ACMG Guidelines, 2015. Collection method: clinical testing. Allele origin: germline.

Revvity Omics, Revvity
Classification: Likely benign. Last evaluated: 2024-05-10. Review status: criteria provided, single submitter. Criteria: ACMG Guidelines, 2015. Collection method: clinical testing. Allele origin: germline.

CeGaT Center for Human Genetics Tuebingen
Classification: Likely benign. Last evaluated: 2024-05-01. Review status: criteria provided, single submitter. Criteria: CeGaT Center For Human Genetics Tuebingen Variant Classification Criteria Version 2. Collection method: clinical testing. Allele origin: germline. Affected: yes. Observed: 1 variant allele.
Comment: TTN: BP4, BP7

Ambry Genetics
Classification: Likely benign for Cardiovascular phenotype. Last evaluated: 2020-05-12. Review status: criteria provided, single submitter. Criteria: Ambry Variant Classification Scheme 2023. Collection method: clinical testing. Allele origin: germline.

GeneDx
Classification: Likely benign. Last evaluated: 2018-11-09. Review status: criteria provided, single submitter. Criteria: GeneDx Variant Classification Process June 2021. Collection method: clinical testing. Allele origin: germline. Affected: yes.

NM_001267550.2(TTN):c.94593G>A (p.Ala31531=)

Genes: TTN (titin; minus strand), TTN-AS1 (TTN antisense RNA 1; plus strand). Cytogenetic location: 2q31.2.
Variant type: single nucleotide variant.
Coding change: c.94593G>A on transcript NM_001267550.2 (MANE Select); coding-DNA position 94593, G replaced by A.
Protein change: p.Ala31531=; no amino-acid change (alanine 31531 retained).
Molecular consequence: synonymous variant.
Genome position (GRCh38, 1-based): chr2:178,546,835, C>T on the plus strand (G>A on the coding strand, the complement: TTN is on the minus strand). VCF-style: chr2-178546835-C-T. GRCh37 (hg19) VCF-style: chr2-179411562-C-T.
Other names: c.89670G>A, p.Ala29890= (NM_001256850.1); c.67398G>A, p.Ala22466= (NM_003319.4); c.86889G>A, p.Ala28963= (NM_133378.4); c.67773G>A, p.Ala22591= (NM_133432.3); c.67974G>A, p.Ala22658= (NM_133437.4).
Identifiers: ClinVar variation 378829 (VCV000378829.38), dbSNP rs373301015, ClinGen allele CA1987095.